The following is an entry in ClinVar:

NM_017415.3(KLHL3):c.1064T>G (p.Phe355Cys)

Gene: KLHL3 (kelch like family member 3; minus strand). Cytogenetic location: 5q31.2.
Variant type: single nucleotide variant.
Coding change: c.1064T>G on transcript NM_017415.3 (MANE Select); coding-DNA position 1064, T replaced by G.
Protein change: p.Phe355Cys; replaces phenylalanine 355 with cysteine.
Molecular consequence: missense variant.
Genome position (GRCh38, 1-based): chr5:137,639,108, A>C on the plus strand (T>G on the coding strand, the complement: KLHL3 is on the minus strand). VCF-style: chr5-137639108-A-C. GRCh37 (hg19) VCF-style: chr5-136974797-A-C.
Other names: c.968T>G, p.Phe323Cys (NM_001257194.1); c.818T>G, p.Phe273Cys (NM_001257195.2); short protein forms F273C, F323C, F355C.
Identifiers: ClinVar variation 2630189 (VCV002630189.1), dbSNP rs2531684027, ClinGen allele CA361048330.

ClinVar aggregate classification (germline): Uncertain significance (1 of 4 stars; one submission).

Conditions:
KLHL3-related disorder. Also called: KLHL3-related condition.

Submission:

PreventionGenetics, part of Exact Sciences
Classification: Uncertain significance for KLHL3-related condition. Last evaluated: 2023-01-27. Review status: criteria provided, single submitter. Criteria: ACMG Guidelines, 2015. Collection method: clinical testing. Allele origin: germline.
Comment: The KLHL3 c.1064T>G variant is predicted to result in the amino acid substitution p.Phe355Cys. To our knowledge, this variant has not been reported in the literature or in a large population database, indicating this variant is rare. At this time, the clinical significance of this variant is uncertain due to the absence of conclusive functional and genetic evidence.